The following is an entry in ClinVar:

NM_004974.4(KCNA2):c.1232C>T (p.Ser411Phe)

Gene: KCNA2 (potassium voltage-gated channel subfamily A member 2; minus strand). Cytogenetic location: 1p13.3.
Variant type: single nucleotide variant.
Coding change: c.1232C>T on transcript NM_004974.4 (MANE Select); coding-DNA position 1232, C replaced by T.
Protein change: p.Ser411Phe; replaces serine 411 with phenylalanine.
Molecular consequence: missense variant. On other transcripts: intron variant (1).
Genome position (GRCh38, 1-based): chr1:110,603,551, G>A on the plus strand (C>T on the coding strand, the complement: KCNA2 is on the minus strand). VCF-style: chr1-110603551-G-A. GRCh37 (hg19) VCF-style: chr1-111146173-G-A.
Other names: c.894+338C>T (NM_001204269.2); short protein forms S411F.
Identifiers: ClinVar variation 4879534 (VCV004879534.1).

ClinVar aggregate classification (germline): Uncertain significance (1 of 4 stars; one submission).

Conditions:
Developmental and epileptic encephalopathy, 32 (DEE32). Also called: Epileptic encephalopathy, early infantile, 32. Identifiers: Orphanet 442835, MedGen C4225350, MONDO:0014607, OMIM 616366.

Submission:

Clinical Genomics Laboratory, Washington University in St. Louis
Classification: Uncertain significance for Developmental and epileptic encephalopathy, 32. Last evaluated: 2025-11-14. Review status: criteria provided, single submitter. Criteria: ACMG Guidelines, 2015. Collection method: clinical testing. Allele origin: germline.
Comment: The KCNA2 c.1232C>T (p.Ser411Phe) variant, to our knowledge, has not been reported in the medical literature. This variant is absent from the general population (gnomAD v.4.1.0), indicating it is not a common variant. Computational predictors indicate that the variant is damaging, evidence that correlates with impact to KCNA2 function. Due to limited information, and based on ACMG/AMP guidelines for variant interpretation (Richards S et al., PMID: 25741868), the clinical significance of this variant is uncertain at this time.